The following is an entry in ClinVar:

NM_144643.4(SCLT1):c.1403C>G (p.Thr468Arg)

Gene: SCLT1 (sodium channel and clathrin linker 1; minus strand). Cytogenetic location: 4q28.2.
Variant type: single nucleotide variant.
Coding change: c.1403C>G on transcript NM_144643.4 (MANE Select); coding-DNA position 1403, C replaced by G.
Protein change: p.Thr468Arg; replaces threonine 468 with arginine.
Molecular consequence: missense variant.
Genome position (GRCh38, 1-based): chr4:128,946,043, G>C on the plus strand (C>G on the coding strand, the complement: SCLT1 is on the minus strand). VCF-style: chr4-128946043-G-C. GRCh37 (hg19) VCF-style: chr4-129867198-G-C.
Other names: c.1403C>G, p.Thr468Arg (NM_001410807.1); c.1403C>G (NM_144643.3); short protein forms T468R.
Identifiers: ClinVar variation 4581258 (VCV004581258.2).

ClinVar aggregate classification (germline): Uncertain significance. Review status: criteria provided, multiple submitters, no conflicts (2 of 4 stars). 2 submissions from 2 submitters: Uncertain significance (2). Last evaluated 2025-11-26.

Conditions:
SCLT1-related disorder. Also called: SCLT1-related condition.

gnomAD v4.1: 13 of 1,610,716 alleles (0.00081%); highest among the groups gnomAD compares: African/African-American, 0.0094%; no homozygotes.

Submissions (2):

Ambry Genetics
Classification: Uncertain significance. Last evaluated: 2025-11-26. Review status: criteria provided, single submitter. Criteria: Ambry Variant Classification Scheme 2023. Collection method: clinical testing. Allele origin: germline.

PreventionGenetics, part of Exact Sciences
Classification: Uncertain significance for SCLT1-related condition. Last evaluated: 2025-11-17. Review status: criteria provided, single submitter. Criteria: ACMG Guidelines, 2015. Collection method: clinical testing. Allele origin: germline.
Comment: The SCLT1 c.1403C>G variant is predicted to result in the amino acid substitution p.Thr468Arg. To our knowledge, this variant has not been reported in the literature. This variant is reported in 0.023% of alleles in individuals of African descent in gnomAD. Although we suspect that this variant may be benign, at this time, the clinical significance of this variant is uncertain due to the absence of conclusive functional and genetic evidence.